The following is an entry in ClinVar:

ClinVar aggregate classification (germline): Uncertain significance. Review status: criteria provided, multiple submitters, no conflicts (2 of 4 stars). 2 submissions from 2 submitters: Uncertain significance (2). Last evaluated 2024-10-16.

Conditions:
Inborn genetic diseases. Identifiers: MedGen C0950123, MeSH D030342.
Fanconi anemia (FA). Also called: Fanconi's anemia. Identifiers: Orphanet 84, MedGen C0015625, MeSH D005199, MONDO:0019391.

Submissions (2):

Ambry Genetics
Classification: Uncertain significance for Inborn genetic diseases. Last evaluated: 2024-10-16. Review status: criteria provided, single submitter. Criteria: Ambry Variant Classification Scheme 2023. Collection method: clinical testing. Allele origin: germline.

Labcorp Genetics (formerly Invitae), Labcorp
Classification: Uncertain significance for Fanconi anemia. Last evaluated: 2022-02-23. Review status: criteria provided, single submitter. Criteria: Invitae Variant Classification Sherloc (09022015). Collection method: clinical testing. Allele origin: germline.
Comment: This sequence change replaces arginine, which is basic and polar, with glycine, which is neutral and non-polar, at codon 424 of the FANCM protein (p.Arg424Gly). This variant is not present in population databases (gnomAD no frequency). This variant has not been reported in the literature in individuals affected with FANCM-related conditions. Algorithms developed to predict the effect of missense changes on protein structure and function (SIFT, PolyPhen-2, Align-GVGD) all suggest that this variant is likely to be tolerated. Algorithms developed to predict the effect of sequence changes on RNA splicing suggest that this variant may create or strengthen a splice site. In summary, the available evidence is currently insufficient to determine the role of this variant in disease. Therefore, it has been classified as a Variant of Uncertain Significance.

NM_020937.4(FANCM):c.1270C>G (p.Arg424Gly)

Gene: FANCM (FA complementation group M; plus strand). Cytogenetic location: 14q21.2.
Variant type: single nucleotide variant.
Coding change: c.1270C>G on transcript NM_020937.4 (MANE Select); coding-DNA position 1270, C replaced by G.
Protein change: p.Arg424Gly; replaces arginine 424 with glycine.
Molecular consequence: missense variant.
Genome position (GRCh38, 1-based): chr14:45,154,783, C>G. VCF-style: chr14-45154783-C-G. GRCh37 (hg19) VCF-style: chr14-45623986-C-G.
Other names: c.1192C>G, p.Arg398Gly (NM_001308133.2); c.1270C>G, p.Arg424Gly (NM_001308134.2); short protein forms R398G, R424G.
Identifiers: ClinVar variation 2168131 (VCV002168131.5), dbSNP rs537833024, ClinGen allele CA389591307.